The following is an entry in ClinVar:

NM_004453.4(ETFDH):c.1798A>C (p.Asn600His)

Gene: ETFDH (electron transfer flavoprotein dehydrogenase; plus strand). Cytogenetic location: 4q32.1.
Variant type: single nucleotide variant.
Coding change: c.1798A>C on transcript NM_004453.4 (MANE Select); coding-DNA position 1798, A replaced by C.
Protein change: p.Asn600His; replaces asparagine 600 with histidine.
Molecular consequence: missense variant.
Genome position (GRCh38, 1-based): chr4:158,708,471, A>C. VCF-style: chr4-158708471-A-C. GRCh37 (hg19) VCF-style: chr4-159629623-A-C.
Other names: c.1657A>C, p.Asn553His (NM_001281737.2); c.1615A>C, p.Asn539His (NM_001281738.1); short protein forms N600H, N539H, N553H.
Identifiers: ClinVar variation 2105075 (VCV002105075.1), dbSNP rs770905850, ClinGen allele CA3122726.

ClinVar aggregate classification (germline): Uncertain significance (1 of 4 stars; one submission).

Conditions:
Multiple acyl-CoA dehydrogenase deficiency (MADD). Also called: ETHYLMALONIC-ADIPICACIDURIA; GA II; Glutaric aciduria, type 2; Glutaric acidemia type II; GA 2; Glutaric Acidemia type 2. Identifiers: Orphanet 26791, MedGen C0268596, MONDO:0009282, OMIM 231680.

Allele frequency attached by ClinVar (database versions not stated): TOPMed below 0.00001; gnomAD 0.00001; gnomAD exomes 0.00001; ExAC 0.00002.
gnomAD v4.1: 4 of 1,613,110 alleles (0.00025%); highest among the groups gnomAD compares: Non-Finnish European, 0.00034%; no homozygotes.

Submission:

Labcorp Genetics (formerly Invitae), Labcorp
Classification: Uncertain significance for Multiple acyl-CoA dehydrogenase deficiency. Last evaluated: 2022-03-01. Review status: criteria provided, single submitter. Criteria: Invitae Variant Classification Sherloc (09022015). Collection method: clinical testing. Allele origin: germline.
Comment: This sequence change replaces asparagine, which is neutral and polar, with histidine, which is basic and polar, at codon 600 of the ETFDH protein (p.Asn600His). This variant is present in population databases (rs770905850, gnomAD 0.003%). This variant has not been reported in the literature in individuals affected with ETFDH-related conditions. Advanced modeling of protein sequence and biophysical properties (such as structural, functional, and spatial information, amino acid conservation, physicochemical variation, residue mobility, and thermodynamic stability) performed at Invitae indicates that this missense variant is expected to disrupt ETFDH protein function. In summary, the available evidence is currently insufficient to determine the role of this variant in disease. Therefore, it has been classified as a Variant of Uncertain Significance.